The following is an entry in ClinVar:

NM_002435.3(MPI):c.908T>C (p.Ile303Thr)

Gene: MPI (mannose phosphate isomerase; plus strand). Cytogenetic location: 15q24.1.
Variant type: single nucleotide variant.
Coding change: c.908T>C on transcript NM_002435.3 (MANE Select); coding-DNA position 908, T replaced by C.
Protein change: p.Ile303Thr; replaces isoleucine 303 with threonine.
Molecular consequence: missense variant. On other transcripts: intron variant (1).
Genome position (GRCh38, 1-based): chr15:74,897,074, T>C. VCF-style: chr15-74897074-T-C. GRCh37 (hg19) VCF-style: chr15-75189415-T-C.
Other names: c.758T>C, p.Ile253Thr (NM_001289156.2); c.725T>C, p.Ile242Thr (NM_001289157.2); c.848T>C, p.Ile283Thr (NM_001330372.2); c.845-438T>C (NM_001289155.2); short protein forms I242T, I303T, I253T, I283T.
Identifiers: ClinVar variation 798794 (VCV000798794.15), dbSNP rs139866632, ClinGen allele CA7662598.
Genomic context (GRCh38, chr15:74,897,074, plus strand): 5'-GCGTGGAGTGCATGGCGTGTTCAGACAACACAGTTCGTGCTGGCCTGACACCCAAGTTCA[T>C]TGATGTGCCAACCCTGTGTGAAATGCTCAGCTATACCCCTAGCTCCAGCAAGGACAGGCT-3'
Protein context (NP_002426.1, residues 293-313): TVRAGLTPKF[Ile303Thr]DVPTLCEMLS

ClinVar aggregate classification (germline): Conflicting classifications of pathogenicity. Review status: criteria provided, conflicting classifications (1 of 4 stars). 4 submissions from 4 submitters: Uncertain significance (1); Likely benign (2). 1 of the submissions does not count toward it. Last evaluated 2026-09-11.

Conditions:
MPI-related disorder. Also called: MPI-related condition.
MPI-congenital disorder of glycosylation. Also called: CDG Ib; MPI DEFICIENCY; CONGENITAL DISORDER OF GLYCOSYLATION, TYPE Ib; MANNOSEPHOSPHATE ISOMERASE DEFICIENCY; PROTEIN-LOSING ENTEROPATHY-HEPATIC FIBROSIS SYNDROME; MPI-CDG. Identifiers: Orphanet 79319, MedGen C1865145, MONDO:0011257, OMIM 602579.

Allele frequency attached by ClinVar (database versions not stated): TOPMed 0.00014; 1000 Genomes Project 30x 0.00016; 1000 Genomes Project 0.00020; gnomAD 0.00023 and 0.00024; ExAC 0.00026; gnomAD exomes 0.00032; ESP Exome Variant Server 0.00039.
gnomAD v4.1: 261 of 1,614,150 alleles (0.016%); highest among the groups gnomAD compares: Middle Eastern, 0.017%; no homozygotes.

Submissions (4):

PreventionGenetics, part of Exact Sciences
Classification: Likely benign for MPI-related condition. Last evaluated: 2026-09-11. Review status: criteria provided, single submitter. Criteria: ACMG Guidelines, 2015. Collection method: clinical testing. Allele origin: germline.
Comment: This variant is classified as likely benign based on ACMG/AMP sequence variant interpretation guidelines (Richards et al. 2015 PMID: 25741868, with internal and published modifications).

Labcorp Genetics (formerly Invitae), Labcorp
Classification: Likely benign for MPI-congenital disorder of glycosylation. Last evaluated: 2025-11-19. Review status: criteria provided, single submitter. Criteria: Invitae Variant Classification Sherloc (09022015). Collection method: clinical testing. Allele origin: germline.

Department of Pathology and Laboratory Medicine, Sinai Health System
Classification: Uncertain significance for MPI-congenital disorder of glycosylation. Last evaluated: 2022-05-10. Review status: criteria provided, single submitter. Criteria: ACMG Guidelines, 2015. Collection method: research. Allele origin: germline.

Natera, Inc.
Classification: Likely benign for Congenital disorder of glycosylation type 1b. Last evaluated: 2020-03-17. Review status: no assertion criteria provided. Collection method: clinical testing. Allele origin: germline. Not counted in ClinVar's aggregate classification.